The following is an entry in ClinVar:

NM_007347.5(AP4E1):c.1301C>T (p.Ala434Val)

Gene: AP4E1 (adaptor related protein complex 4 subunit epsilon 1; plus strand). Cytogenetic location: 15q21.2.
Variant type: single nucleotide variant.
Coding change: c.1301C>T on transcript NM_007347.5 (MANE Select); coding-DNA position 1301, C replaced by T.
Protein change: p.Ala434Val; replaces alanine 434 with valine.
Molecular consequence: missense variant.
Genome position (GRCh38, 1-based): chr15:50,948,144, C>T. VCF-style: chr15-50948144-C-T. GRCh37 (hg19) VCF-style: chr15-51240341-C-T.
Other names: c.1076C>T, p.Ala359Val (NM_001252127.2); short protein forms A434V, A359V.
Identifiers: ClinVar variation 565861 (VCV000565861.8), dbSNP rs1567229219, ClinGen allele CA392417360.

ClinVar aggregate classification (germline): Uncertain significance (1 of 4 stars; one submission).

Conditions:
Spastic paraplegia. Identifiers: MedGen C0037772, HP:0001258.

Allele frequency attached by ClinVar (database versions not stated): TOPMed below 0.00001.

Submission:

Labcorp Genetics (formerly Invitae), Labcorp
Classification: Uncertain significance for Spastic paraplegia. Last evaluated: 2022-06-04. Review status: criteria provided, single submitter. Criteria: Invitae Variant Classification Sherloc (09022015). Collection method: clinical testing. Allele origin: germline.
Comment: ClinVar contains an entry for this variant (Variation ID: 565861). In summary, the available evidence is currently insufficient to determine the role of this variant in disease. Therefore, it has been classified as a Variant of Uncertain Significance. Algorithms developed to predict the effect of missense changes on protein structure and function are either unavailable or do not agree on the potential impact of this missense change (SIFT: "Tolerated"; PolyPhen-2: "Probably Damaging"; Align-GVGD: "Class C0"). This variant has not been reported in the literature in individuals affected with AP4E1-related conditions. This variant is not present in population databases (gnomAD no frequency). This sequence change replaces alanine, which is neutral and non-polar, with valine, which is neutral and non-polar, at codon 434 of the AP4E1 protein (p.Ala434Val).